The following is an entry in ClinVar:

ClinVar aggregate classification (germline): Uncertain significance (1 of 4 stars; one submission).

Conditions:
Autosomal recessive limb-girdle muscular dystrophy type 2J (LGMDR10). Also called: Limb-girdle muscular dystrophy, type 2J; MUSCULAR DYSTROPHY, LIMB-GIRDLE, AUTOSOMAL RECESSIVE 10. Identifiers: Orphanet 140922, MedGen C1837342, MONDO:0012127, OMIM 608807.
Dilated cardiomyopathy 1G (CMD1G). Identifiers: Orphanet 154, MedGen C1858763, MONDO:0011400, OMIM 604145.

gnomAD v4.1: 1 of 1,608,098 alleles (0.000062%); highest among the groups gnomAD compares: South Asian, 0.0011%; no homozygotes.

Submission:

Labcorp Genetics (formerly Invitae), Labcorp
Classification: Uncertain significance for Dilated cardiomyopathy 1G; Autosomal recessive limb-girdle muscular dystrophy type 2J. Last evaluated: 2025-06-20. Review status: criteria provided, single submitter. Criteria: Invitae Variant Classification Sherloc (09022015). Collection method: clinical testing. Allele origin: germline.
Comment: This sequence change replaces glutamic acid, which is acidic and polar, with lysine, which is basic and polar, at codon 3771 of the TTN protein (p.Glu3771Lys). This variant also falls at the last nucleotide of exon 47, which is part of the consensus splice site for this exon. This variant is not present in population databases (gnomAD no frequency). This variant has not been reported in the literature in individuals affected with TTN-related conditions. ClinVar contains an entry for this variant (Variation ID: 3751699). Experimental studies and prediction algorithms are not available or were not evaluated, and the functional significance of this variant is currently unknown. Variants that disrupt the consensus splice site are a relatively common cause of aberrant splicing (PMID: 17576681, 9536098). Algorithms developed to predict the effect of sequence changes on RNA splicing suggest that this variant may disrupt the consensus splice site. This variant is located in the I band of TTN (PMID: 25589632). Non-truncating variants in this region may be clinically relevant, but have not been definitively shown to cause cardiomyopathy or neuromuscular disease (PMID: 27493940, 32778822). In summary, the available evidence is currently insufficient to determine the role of this variant in disease. Therefore, it has been classified as a Variant of Uncertain Significance.

Literature cited by the submitters: PubMed 17576681; PubMed 9536098; PubMed 25589632; PubMed 27493940; PubMed 32778822.

NM_001267550.2(TTN):c.11311G>A (p.Glu3771Lys)

Gene: TTN (titin; minus strand). Cytogenetic location: 2q31.2.
Variant type: single nucleotide variant.
Coding change: c.11311G>A on transcript NM_001267550.2 (MANE Select); coding-DNA position 11311, G replaced by A.
Protein change: p.Glu3771Lys; replaces glutamic acid 3771 with lysine.
Molecular consequence: missense variant.
Genome position (GRCh38, 1-based): chr2:178,753,124, C>T on the plus strand (G>A on the coding strand, the complement: TTN is on the minus strand). VCF-style: chr2-178753124-C-T. GRCh37 (hg19) VCF-style: chr2-179617851-C-T.
Other names: c.10360G>A, p.Glu3454Lys (NM_001256850.1, NM_133379.5); c.10222G>A, p.Glu3408Lys (NM_003319.4); c.10360G>A, p.Ala3454Thr (NM_133378.4); c.10597G>A, p.Glu3533Lys (NM_133432.3); c.10798G>A, p.Glu3600Lys (NM_133437.4); short protein forms A3454T, E3408K, E3454K, E3533K, E3600K, E3771K.
Identifiers: ClinVar variation 3751699 (VCV003751699.2).
Genomic context (GRCh38, chr2:178,753,124, plus strand): 5'-CAAGGATCCTATTAATCCTTTAGAATTTCTACTTAAATCTCACATCCATTATAACAATAC[C>T]TTTCATTTCCATCTCAATCTCTTGTTCAATCCTCTCATGCAAAATTGATTCAGGAGCTAA-3'
Protein context (NP_001254479.2, residues 3761-3781): IEQEIEMEMK[Glu3771Lys]FSSSFLSAEE